The following is an entry in ClinVar:

ClinVar aggregate classification (germline): Pathogenic (1 of 4 stars; one submission).

Conditions:
Loeys-Dietz syndrome 4 (LDS4). Also called: ANEURYSM, AORTIC AND CEREBRAL, WITH ARTERIAL TORTUOSITY AND SKELETAL MANIFESTATIONS; TGFB2-Related Loeys-Dietz Syndrome. Identifiers: MedGen C3553762, MONDO:0013897, OMIM 614816.

Submission:

Labcorp Genetics (formerly Invitae), Labcorp
Classification: Pathogenic for Loeys-Dietz syndrome 4. Last evaluated: 2026-01-24. Review status: criteria provided, single submitter. Criteria: Invitae Variant Classification Sherloc (09022015). Collection method: clinical testing. Allele origin: germline.
Comment: This sequence change creates a premature translational stop signal (p.Thr260Glnfs*3) in the TGFB2 gene. It is expected to result in an absent or disrupted protein product. Loss-of-function variants in TGFB2 are known to be pathogenic (PMID: 22772368, 22772371, 30739908). This variant is not present in population databases (gnomAD no frequency). This variant has not been reported in the literature in individuals affected with TGFB2-related conditions. For these reasons, this variant has been classified as Pathogenic.

Literature cited by the submitters: PubMed 22772368; PubMed 22772371; PubMed 30739908.

NM_003238.6(TGFB2):c.777_778del (p.Thr260fs)

Gene: TGFB2 (transforming growth factor beta 2; plus strand). Cytogenetic location: 1q41.
Variant type: Microsatellite.
Coding change: c.777_778del on transcript NM_003238.6 (MANE Select); coding-DNA positions 777 to 778, 2 bases deleted (TA; older notation c.777_778delTA).
Protein change: p.Thr260fs; shifts the reading frame from threonine 260.
Molecular consequence: frameshift variant.
Genome position (GRCh38, 1-based): chr1:218,435,992-218,435,993, TA deleted; deleting any 2 consecutive bases within chr1:218,435,989-218,435,993 gives the same sequence; the c. name uses the placement nearest the transcript's 3' end. VCF-style (leftmost placement, unchanged base first): chr1-218435988-CAT-C. GRCh37 (hg19) VCF-style: chr1-218609330-CAT-C.
Other names: c.861_862del, p.Thr288fs (NM_001135599.4); short protein forms T260fs, T288fs.
Identifiers: ClinVar variation 4777186 (VCV004777186.1).